The following is an entry in ClinVar:

NM_001035.3(RYR2):c.2080C>G (p.Arg694Gly)

Gene: RYR2 (ryanodine receptor 2; plus strand). Cytogenetic location: 1q43.
Variant type: single nucleotide variant.
Coding change: c.2080C>G on transcript NM_001035.3 (MANE Select); coding-DNA position 2080, C replaced by G.
Protein change: p.Arg694Gly; replaces arginine 694 with glycine.
Molecular consequence: missense variant.
Genome position (GRCh38, 1-based): chr1:237,496,629, C>G. VCF-style: chr1-237496629-C-G. GRCh37 (hg19) VCF-style: chr1-237659929-C-G.
Other names: short protein forms R694G.
Identifiers: ClinVar variation 2568260 (VCV002568260.5), dbSNP rs1664103746, ClinGen allele CA345391740.

ClinVar aggregate classification (germline): Uncertain significance. Review status: criteria provided, multiple submitters, no conflicts (2 of 4 stars). 2 submissions from 2 submitters: Uncertain significance (2). Last evaluated 2023-04-20.

Conditions:
Cardiovascular phenotype. Identifiers: MedGen CN230736.
Catecholaminergic polymorphic ventricular tachycardia 1. Also called: VENTRICULAR TACHYCARDIA, CATECHOLAMINERGIC POLYMORPHIC, 1, WITH OR WITHOUT ATRIAL DYSFUNCTION AND/OR DILATED CARDIOMYOPATHY; RYR2-Related Catecholaminergic Polymorphic Ventricular Tachycardia; VENTRICULAR TACHYCARDIA, STRESS-INDUCED POLYMORPHIC 1. Identifiers: Orphanet 3286, MedGen C1631597, MONDO:0011484, OMIM 604772.

Submissions (2):

Ambry Genetics
Classification: Uncertain significance for Cardiovascular phenotype. Last evaluated: 2023-04-20. Review status: criteria provided, single submitter. Criteria: Ambry Variant Classification Scheme 2023. Collection method: clinical testing. Allele origin: germline.
Comment: The p.R694G variant (also known as c.2080C>G), located in coding exon 20 of the RYR2 gene, results from a C to G substitution at nucleotide position 2080. The arginine at codon 694 is replaced by glycine, an amino acid with dissimilar properties. This amino acid position is highly conserved in available vertebrate species. In addition, this alteration is predicted to be deleterious by in silico analysis. Since supporting evidence is limited at this time, the clinical significance of this alteration remains unclear.

Labcorp Genetics (formerly Invitae), Labcorp
Classification: Uncertain significance for Catecholaminergic polymorphic ventricular tachycardia 1. Last evaluated: 2023-02-04. Review status: criteria provided, single submitter. Criteria: Invitae Variant Classification Sherloc (09022015). Collection method: clinical testing. Allele origin: germline.
Comment: In summary, the available evidence is currently insufficient to determine the role of this variant in disease. Therefore, it has been classified as a Variant of Uncertain Significance. Advanced modeling of protein sequence and biophysical properties (such as structural, functional, and spatial information, amino acid conservation, physicochemical variation, residue mobility, and thermodynamic stability) performed at Invitae indicates that this missense variant is expected to disrupt RYR2 protein function. This variant has not been reported in the literature in individuals affected with RYR2-related conditions. This variant is not present in population databases (gnomAD no frequency). This sequence change replaces arginine, which is basic and polar, with glycine, which is neutral and non-polar, at codon 694 of the RYR2 protein (p.Arg694Gly).